The following is an entry in ClinVar:

NM_001290321.3(DMXL1):c.1942G>A (p.Val648Ile)

Gene: DMXL1 (Dmx like 1; plus strand). Cytogenetic location: 5q23.1.
Variant type: single nucleotide variant.
Coding change: c.1942G>A on transcript NM_001290321.3 (MANE Select); coding-DNA position 1942, G replaced by A.
Protein change: p.Val648Ile; replaces valine 648 with isoleucine.
Molecular consequence: missense variant. On other transcripts: non-coding transcript variant (3), intron variant (2).
Genome position (GRCh38, 1-based): chr5:119,133,866, G>A. VCF-style: chr5-119133866-G-A. GRCh37 (hg19) VCF-style: chr5-118469561-G-A.
Other names: c.1942G>A, p.Val648Ile (NM_001349239.2, NM_001349240.2, NM_001387933.1 and 2 more transcripts); c.1609+333G>A (NM_001387938.1); c.1550-402G>A (NM_001387937.1); short protein forms V648I.
Identifiers: ClinVar variation 3053356 (VCV003053356.2), dbSNP rs139365266, ClinGen allele CA3379562.

ClinVar aggregate classification (germline): Benign (0 of 4 stars; one submission).

Conditions:
DMXL1-related disorder. Also called: DMXL1-related condition.

Allele frequency attached by ClinVar (database versions not stated): TOPMed 0.00083; ESP Exome Variant Server 0.00108; gnomAD 0.00120; ExAC 0.00196; 1000 Genomes Project 0.00359; 1000 Genomes Project 30x 0.00359.
gnomAD v4.1: 2,438 of 1,614,078 alleles (0.15%); highest among the groups gnomAD compares: South Asian, 0.91%; 19 homozygotes.

Submission:

PreventionGenetics, part of Exact Sciences
Classification: Benign for DMXL1-related condition. Last evaluated: 2019-04-03. Review status: no assertion criteria provided. Collection method: clinical testing. Allele origin: germline.
Comment: This variant is classified as benign based on ACMG/AMP sequence variant interpretation guidelines (Richards et al. 2015 PMID: 25741868, with internal and published modifications).